The following is an entry in ClinVar:

ClinVar aggregate classification (germline): Uncertain significance (1 of 4 stars; one submission).

Submission:

Labcorp Genetics (formerly Invitae), Labcorp
Classification: Uncertain significance. Last evaluated: 2024-02-24. Review status: criteria provided, single submitter. Criteria: Invitae Variant Classification Sherloc (09022015). Collection method: clinical testing. Allele origin: germline.
Comment: This sequence change replaces aspartic acid, which is acidic and polar, with glycine, which is neutral and non-polar, at codon 945 of the GUCY2C protein (p.Asp945Gly). This variant is not present in population databases (gnomAD no frequency). This variant has not been reported in the literature in individuals affected with GUCY2C-related conditions. ClinVar contains an entry for this variant (Variation ID: 2124067). Advanced modeling of protein sequence and biophysical properties (such as structural, functional, and spatial information, amino acid conservation, physicochemical variation, residue mobility, and thermodynamic stability) performed at Invitae indicates that this missense variant is expected to disrupt GUCY2C protein function with a positive predictive value of 80%. Algorithms developed to predict the effect of sequence changes on RNA splicing suggest that this variant may disrupt the consensus splice site. In summary, the available evidence is currently insufficient to determine the role of this variant in disease. Therefore, it has been classified as a Variant of Uncertain Significance.

NM_004963.4(GUCY2C):c.2834A>G (p.Asp945Gly)

Genes: PLBD1-AS1 (PLBD1 antisense RNA 1; plus strand), GUCY2C (guanylate cyclase 2C; minus strand). Cytogenetic location: 12p12.3.
Variant type: single nucleotide variant.
Coding change: c.2834A>G on transcript NM_004963.4 (MANE Select); coding-DNA position 2834, A replaced by G.
Protein change: p.Asp945Gly; replaces aspartic acid 945 with glycine.
Molecular consequence: missense variant. On other transcripts: non-coding transcript variant (1).
Genome position (GRCh38, 1-based): chr12:14,619,252, T>C on the plus strand (A>G on the coding strand, the complement: GUCY2C is on the minus strand). VCF-style: chr12-14619252-T-C. GRCh37 (hg19) VCF-style: chr12-14772186-T-C.
Other names: short protein forms D945G.
Identifiers: ClinVar variation 2124067 (VCV002124067.4), dbSNP rs2497604897, ClinGen allele CA383993113.